The following is an entry in ClinVar:

NM_014384.3(ACAD8):c.855G>A (p.Leu285=)

Gene: ACAD8 (acyl-CoA dehydrogenase family member 8; plus strand). Cytogenetic location: 11q25.
Variant type: single nucleotide variant.
Coding change: c.855G>A on transcript NM_014384.3 (MANE Select); coding-DNA position 855, G replaced by A.
Protein change: p.Leu285=; no amino-acid change (leucine 285 retained).
Molecular consequence: synonymous variant.
Genome position (GRCh38, 1-based): chr11:134,261,288, G>A. VCF-style: chr11-134261288-G-A. GRCh37 (hg19) VCF-style: chr11-134131182-G-A.
Identifiers: ClinVar variation 3772200 (VCV003772200.13).

ClinVar aggregate classification (germline): Uncertain significance (1 of 4 stars; one submission).

gnomAD v4.1: 1 of 1,614,164 alleles (0.000062%); highest among the groups gnomAD compares: Non-Finnish European, 0.000085%; no homozygotes.

Submission:

CeGaT Center for Human Genetics Tuebingen
Classification: Uncertain significance. Last evaluated: 2025-01-01. Review status: criteria provided, single submitter. Criteria: CeGaT Center For Human Genetics Tuebingen Variant Classification Criteria Version 2. Collection method: clinical testing. Allele origin: germline. Affected: yes. Observed: 1 variant allele.
Comment: ACAD8: PM2:Supporting